The following is an entry in ClinVar:

ClinVar aggregate classification (germline): Benign. Review status: criteria provided, multiple submitters, no conflicts (2 of 4 stars). 3 submissions from 3 submitters: Benign (3). Last evaluated 2026-01-28.

Conditions:
Hypomyelination and Congenital Cataract (HLD5). Also called: hypomyelinating leukodystrophy 5. Identifiers: Orphanet 85163, MedGen C1864663, MONDO:0012514, OMIM 610532.

Allele frequency attached by ClinVar (database versions not stated): ESP Exome Variant Server 0.00038; gnomAD 0.00089 and 0.00124; gnomAD exomes 0.00097 and 0.00230; TOPMed 0.00122; ExAC 0.00244; 1000 Genomes Project 30x 0.00500; 1000 Genomes Project 0.00559.
gnomAD v4.1: 1,626 of 1,611,402 alleles (0.1%); highest among the groups gnomAD compares: East Asian, 2.3%; 13 homozygotes.

Submissions (4):

Labcorp Genetics (formerly Invitae), Labcorp
Classification: Benign for Hypomyelination and Congenital Cataract. Last evaluated: 2026-01-28. Review status: criteria provided, single submitter. Criteria: Invitae Variant Classification Sherloc (09022015). Collection method: clinical testing. Allele origin: germline.

Mayo Clinic Laboratories, Mayo Clinic
Classification: Benign. Last evaluated: 2019-11-01. Review status: criteria provided, single submitter. Criteria: ACMG Guidelines, 2015. Collection method: clinical testing. Allele origin: germline. Observed: 3 variant alleles.

Illumina Laboratory Services, Illumina
Classification: Benign for Hypomyelination and Congenital Cataract. Last evaluated: 2018-01-12. Review status: criteria provided, single submitter. Criteria: ICSL Variant Classification Criteria 13 December 2019. Collection method: clinical testing. Allele origin: germline.
Comment: This variant was observed in the ICSL laboratory as part of a predisposition screen in an ostensibly healthy population. It had not been previously curated by ICSL or reported in the Human Gene Mutation Database (HGMD: prior to June 1st, 2018), and was therefore a candidate for classification through an automated scoring system. Utilizing variant allele frequency, disease prevalence and penetrance estimates, and inheritance mode, an automated score was calculated to assess if this variant is too frequent to cause the disease. Based on the score and internal cut-off values, a variant classified as benign is not then subjected to further curation. The score for this variant resulted in a classification of benign for this disease.

Dr. Peter K. Rogan Lab, Western University
No classification provided (evidence only). Condition: Ovarian serous cystadenocarcinoma. Review status: no classification provided. Collection method: in vitro. Allele origin: not applicable. Functional consequence: retained intron. Not counted in ClinVar's aggregate classification.

NM_032581.4(HYCC1):c.834T>G (p.Val278=)

Gene: HYCC1 (hyccin PI4KA lipid kinase complex subunit 1; minus strand). Cytogenetic location: 7p15.3.
Variant type: single nucleotide variant.
Coding change: c.834T>G on transcript NM_032581.4 (MANE Select); coding-DNA position 834, T replaced by G.
Protein change: p.Val278=; no amino-acid change (valine 278 retained).
Molecular consequence: synonymous variant.
Genome position (GRCh38, 1-based): chr7:22,960,413, A>C on the plus strand (T>G on the coding strand, the complement: HYCC1 is on the minus strand). VCF-style: chr7-22960413-A-C. GRCh37 (hg19) VCF-style: chr7-23000032-A-C.
Other names: p.Val278=; c.834T>G, p.Val278= (NM_001363466.2, NM_001363467.2).
Identifiers: ClinVar variation 468356 (VCV000468356.16), dbSNP rs150739070, ClinGen allele CA4185885.
Genomic context (GRCh38, chr7:22,960,413, plus strand): 5'-TGTACCTTCCTTATTAGATTTCATGGGACCATGAGGCAATGAAGCCTTTATTGCATTAGC[A>C]ACCTAAGGAGAAAAAATATAGTTTAAGATCAACATGAGCAGATAGAGCAGATATATTATC-3'
Protein context (NP_115970.2, residues 268-288): QLELYPEPLL[Val278=]ANAIKASLPH